The following is an entry in ClinVar:

ClinVar aggregate classification (germline): Uncertain significance (1 of 4 stars; one submission).

Allele frequency attached by ClinVar (database versions not stated): gnomAD exomes below 0.00001.
gnomAD v4.1: 2 of 1,614,030 alleles (0.00012%); highest among the groups gnomAD compares: Admixed American, 0.0033%; no homozygotes.

Submission:

Labcorp Genetics (formerly Invitae), Labcorp
Classification: Uncertain significance. Last evaluated: 2022-09-06. Review status: criteria provided, single submitter. Criteria: Invitae Variant Classification Sherloc (09022015). Collection method: clinical testing. Allele origin: germline.
Comment: This variant has not been reported in the literature in individuals affected with RPS6KC1-related conditions. Algorithms developed to predict the effect of missense changes on protein structure and function output the following: SIFT: "Tolerated"; PolyPhen-2: "Benign"; Align-GVGD: "Class C0". The aspartic acid amino acid residue is found in multiple mammalian species, which suggests that this missense change does not adversely affect protein function. This variant is present in population databases (no rsID available, gnomAD 0.006%). This sequence change replaces asparagine, which is neutral and polar, with aspartic acid, which is acidic and polar, at codon 829 of the RPS6KC1 protein (p.Asn829Asp). In summary, the available evidence is currently insufficient to determine the role of this variant in disease. Therefore, it has been classified as a Variant of Uncertain Significance.

NM_012424.6(RPS6KC1):c.2485A>G (p.Asn829Asp)

Gene: RPS6KC1 (ribosomal protein S6 kinase C1; plus strand). Cytogenetic location: 1q32.3.
Variant type: single nucleotide variant.
Coding change: c.2485A>G on transcript NM_012424.6 (MANE Select); coding-DNA position 2485, A replaced by G.
Protein change: p.Asn829Asp; replaces asparagine 829 with aspartic acid.
Molecular consequence: missense variant. On other transcripts: non-coding transcript variant (4).
Genome position (GRCh38, 1-based): chr1:213,241,961, A>G. VCF-style: chr1-213241961-A-G. GRCh37 (hg19) VCF-style: chr1-213415304-A-G.
Other names: c.1942A>G, p.Asn648Asp (NM_001349649.2, NM_001349650.2, NM_001349651.2 and 4 more transcripts); c.1849A>G, p.Asn617Asp (NM_001349654.2, NM_001287218.3, NM_001287219.3); c.1594A>G, p.Asn532Asp (NM_001349657.2, NM_001349658.2); c.1429A>G, p.Asn477Asp (NM_001349659.2, NM_001349660.2, NM_001349661.2 and 1 more transcripts); c.2449A>G, p.Asn817Asp (NM_001136138.4); c.1090A>G, p.Asn364Asp (NM_001287220.3, NM_001349663.2, NM_001349664.2 and 8 more transcripts); c.2392A>G, p.Asn798Asp (NM_001349646.2); c.2122A>G, p.Asn708Asp (NM_001349647.2); short protein forms N648D, N708D, N798D, N532D, N617D, N829D, N364D, N477D.
Identifiers: ClinVar variation 1961752 (VCV001961752.5), dbSNP rs1208950899, ClinGen allele CA344891922.